The following is an entry in ClinVar:

NM_198252.3(GSN):c.710C>T (p.Ala237Val)

Gene: GSN (gelsolin; plus strand). Cytogenetic location: 9q33.2.
Variant type: single nucleotide variant.
Coding change: c.710C>T on transcript NM_198252.3 (MANE Select); coding-DNA position 710, C replaced by T.
Protein change: p.Ala237Val; replaces alanine 237 with valine.
Molecular consequence: missense variant.
Genome position (GRCh38, 1-based): chr9:121,313,980, C>T. VCF-style: chr9-121313980-C-T. GRCh37 (hg19) VCF-style: chr9-124076258-C-T.
Other names: p.Ala288Val; c.863C>T, p.Ala288Val (NM_000177.5); c.710C>T, p.Ala237Val (NM_001127662.2, NM_001127664.2, NM_001127665.2 and 10 more transcripts); c.818C>T, p.Ala273Val (NM_001127663.2); c.743C>T, p.Ala248Val (NM_001127666.2, NM_001127667.2, NM_001353063.2 and 13 more transcripts); c.761C>T, p.Ala254Val (NM_001258029.2); c.734C>T, p.Ala245Val (NM_001258030.2); c.782C>T, p.Ala261Val (NM_001353076.2); and 1 more; short protein forms A237V, A261V, A273V, A19V, A248V, A245V, A254V, A288V.
Identifiers: ClinVar variation 1922495 (VCV001922495.6), dbSNP rs780252276, ClinGen allele CA5221002.
Genomic context (GRCh38, chr9:121,313,980, plus strand): 5'-TCTATCTCCTACAGGTGCTGGGCCCCAAGCCGGCTCTGCCTGCAGGTACCGAGGACACCG[C>T]CAAGGAGGATGCGGCCAACCGCAAGCTGGCCAAGCTCTACAAGGTGAGCACCAGATGCAC-3'
Protein context (NP_937895.1, residues 227-247): PALPAGTEDT[Ala237Val]KEDAANRKLA

ClinVar aggregate classification (germline): Conflicting classifications of pathogenicity. Review status: criteria provided, conflicting classifications (1 of 4 stars). 2 submissions from 2 submitters: Uncertain significance (1); Likely benign (1). Last evaluated 2025-04-22.

Allele frequency attached by ClinVar (database versions not stated): TOPMed 0.00001; ExAC 0.00004; gnomAD exomes 0.00007.
gnomAD v4.1: 40 of 1,614,196 alleles (0.0025%); highest among the groups gnomAD compares: East Asian, 0.089%; no homozygotes.

Submissions (2):

Mayo Clinic Laboratories, Mayo Clinic
Classification: Likely benign. Last evaluated: 2025-04-22. Review status: criteria provided, single submitter. Criteria: ACMG Guidelines, 2015. Collection method: clinical testing. Allele origin: germline. Observed: 1 variant allele.
Comment: BS2, BP4_moderate

Labcorp Genetics (formerly Invitae), Labcorp
Classification: Uncertain significance. Last evaluated: 2025-02-24. Review status: criteria provided, single submitter. Criteria: Invitae Variant Classification Sherloc (09022015). Collection method: clinical testing. Allele origin: germline.
Comment: This sequence change replaces alanine, which is neutral and non-polar, with valine, which is neutral and non-polar, at codon 288 of the GSN protein (p.Ala288Val). This variant is present in population databases (rs780252276, gnomAD 0.04%). This variant has not been reported in the literature in individuals affected with GSN-related conditions. ClinVar contains an entry for this variant (Variation ID: 1922495). Invitae Evidence Modeling of protein sequence and biophysical properties (such as structural, functional, and spatial information, amino acid conservation, physicochemical variation, residue mobility, and thermodynamic stability) indicates that this missense variant is not expected to disrupt GSN protein function with a negative predictive value of 80%. In summary, the available evidence is currently insufficient to determine the role of this variant in disease. Therefore, it has been classified as a Variant of Uncertain Significance.

Literature cited by the submitters: PubMed 33192475 (cited by Mayo Clinic Laboratories, Mayo Clinic).